The following is an entry in ClinVar:

NM_012213.3(MLYCD):c.124G>T (p.Glu42Ter)

Genes: MLYCD (malonyl-CoA decarboxylase; plus strand), LOC130059554 (ATAC-STARR-seq lymphoblastoid silent region 7769; plus strand). Cytogenetic location: 16q23.3.
Variant type: single nucleotide variant.
Coding change: c.124G>T on transcript NM_012213.3 (MANE Select); coding-DNA position 124, G replaced by T.
Protein change: p.Glu42Ter; replaces glutamic acid 42 with a stop codon.
Molecular consequence: nonsense.
Genome position (GRCh38, 1-based): chr16:83,899,268, G>T. VCF-style: chr16-83899268-G-T. GRCh37 (hg19) VCF-style: chr16-83932873-G-T.
Other names: short protein forms E42*.
Identifiers: ClinVar variation 2888559 (VCV002888559.4), dbSNP rs1464925145, ClinGen allele CA396917693.

ClinVar aggregate classification (germline): Pathogenic (1 of 4 stars; one submission).

Conditions:
Deficiency of malonyl-CoA decarboxylase. Also called: Malonic aciduria; MCD deficiency. Identifiers: Orphanet 943, MedGen C0342793, MONDO:0009556, OMIM 248360.

gnomAD v4.1: 1 of 1,453,408 alleles (0.000069%); highest among the groups gnomAD compares: Non-Finnish European, 0.00009%; no homozygotes.

Submission:

Labcorp Genetics (formerly Invitae), Labcorp
Classification: Pathogenic for Deficiency of malonyl-CoA decarboxylase. Last evaluated: 2023-08-20. Review status: criteria provided, single submitter. Criteria: Invitae Variant Classification Sherloc (09022015). Collection method: clinical testing. Allele origin: germline.
Comment: For these reasons, this variant has been classified as Pathogenic. This variant has not been reported in the literature in individuals affected with MLYCD-related conditions. This variant is not present in population databases (gnomAD no frequency). This sequence change creates a premature translational stop signal (p.Glu42*) in the MLYCD gene. It is expected to result in an absent or disrupted protein product. Loss-of-function variants in MLYCD are known to be pathogenic (PMID: 12955715, 17186413).

Literature cited by the submitters: PubMed 12955715; PubMed 17186413.